The following is an entry in ClinVar:

ClinVar aggregate classification (germline): Uncertain significance. Review status: criteria provided, multiple submitters, no conflicts (2 of 4 stars). 3 submissions from 3 submitters: Uncertain significance (3). Last evaluated 2025-02-18.

Conditions:
Hereditary pheochromocytoma and paraganglioma. Also called: Hereditary pheochromocytoma-paraganglioma; Hereditary Paraganglioma-Pheochromocytoma Syndromes; Hereditary paragangliomas and pheochromocytomas. Identifiers: Orphanet 29072, MedGen C4274332, MONDO:0017366.
Hereditary cancer-predisposing syndrome. Also called: Hereditary neoplastic syndrome; Hereditary Cancer Syndrome; Tumor predisposition; Neoplastic Syndromes, Hereditary. Identifiers: Orphanet 140162, MedGen C0027672, MeSH D009386, MONDO:0015356.

Submissions (3):

Labcorp Genetics (formerly Invitae), Labcorp
Classification: Uncertain significance for Hereditary pheochromocytoma and paraganglioma. Last evaluated: 2025-02-18. Review status: criteria provided, single submitter. Criteria: Invitae Variant Classification Sherloc (09022015). Collection method: clinical testing. Allele origin: germline.
Comment: This sequence change replaces tryptophan, which is neutral and slightly polar, with glycine, which is neutral and non-polar, at codon 53 of the TMEM127 protein (p.Trp53Gly). This variant is not present in population databases (gnomAD no frequency). This missense change has been observed in individual(s) with pheochromocytoma (internal data). ClinVar contains an entry for this variant (Variation ID: 959374). An algorithm developed to predict the effect of missense changes on protein structure and function (PolyPhen-2) suggests that this variant is likely to be disruptive. In summary, the available evidence is currently insufficient to determine the role of this variant in disease. Therefore, it has been classified as a Variant of Uncertain Significance.

Ambry Genetics
Classification: Uncertain significance for Hereditary cancer-predisposing syndrome. Last evaluated: 2024-06-27. Review status: criteria provided, single submitter. Criteria: Ambry Variant Classification Scheme 2023. Collection method: clinical testing. Allele origin: germline.
Comment: The p.W53G variant (also known as c.157T>G), located in coding exon 1 of the TMEM127 gene, results from a T to G substitution at nucleotide position 157. The tryptophan at codon 53 is replaced by glycine, an amino acid with highly dissimilar properties. This amino acid position is conserved. In addition, this alteration is predicted to be deleterious by in silico analysis. Based on the available evidence, the clinical significance of this variant remains unclear.

GeneDx
Classification: Uncertain significance. Last evaluated: 2024-01-31. Review status: criteria provided, single submitter. Criteria: GeneDx Variant Classification Process June 2021. Collection method: clinical testing. Allele origin: germline. Affected: yes.
Comment: Not observed at significant frequency in large population cohorts (gnomAD); In silico analysis supports that this missense variant has a deleterious effect on protein structure/function; Has not been previously published as pathogenic or benign to our knowledge

NM_017849.4(TMEM127):c.157T>G (p.Trp53Gly)

Gene: TMEM127 (transmembrane protein 127; minus strand). Cytogenetic location: 2q11.2.
Variant type: single nucleotide variant.
Coding change: c.157T>G on transcript NM_017849.4 (MANE Select); coding-DNA position 157, T replaced by G.
Protein change: p.Trp53Gly; replaces tryptophan 53 with glycine.
Molecular consequence: missense variant.
Genome position (GRCh38, 1-based): chr2:96,265,225, A>C on the plus strand (T>G on the coding strand, the complement: TMEM127 is on the minus strand). VCF-style: chr2-96265225-A-C. GRCh37 (hg19) VCF-style: chr2-96930963-A-C.
Other names: c.157T>G, p.Trp53Gly (NM_001193304.3); short protein forms W53G.
Identifiers: ClinVar variation 959374 (VCV000959374.9), dbSNP rs1684390862, ClinGen allele CA347656005.